The following is an entry in ClinVar:

ClinVar aggregate classification (germline): Benign/Likely benign. Review status: criteria provided, multiple submitters, no conflicts (2 of 4 stars). 4 submissions from 4 submitters: Benign (1); Likely benign (3). Last evaluated 2025-05-19.

Conditions:
Hereditary cancer-predisposing syndrome. Also called: Tumor predisposition; Hereditary neoplastic syndrome; Neoplastic Syndromes, Hereditary; Hereditary Cancer Syndrome. Identifiers: Orphanet 140162, MedGen C0027672, MeSH D009386, MONDO:0015356.
Tuberous sclerosis syndrome (TSC). Also called: Tuberous Sclerosis Complex; Tuberous sclerosis. Identifiers: Orphanet 805, MedGen C0041341, MONDO:0001734.
Tuberous sclerosis 2 (TSC2). Identifiers: Orphanet 805, MedGen C1860707, MONDO:0013199, OMIM 613254.

gnomAD v4.1: 5 of 1,614,180 alleles (0.00031%); highest among the groups gnomAD compares: Non-Finnish European, 0.00042%; no homozygotes.

Submissions (4):

Myriad Genetics, Inc.
Classification: Benign for Tuberous sclerosis 2. Last evaluated: 2025-05-19. Review status: criteria provided, single submitter. Criteria: Myriad Autosomal Dominant, Autosomal Recessive and X-Linked Classification Criteria (2023). Collection method: clinical testing. Allele origin: unknown.
Comment: This variant is considered benign. This variant is a silent/synonymous amino acid change and it is not expected to impact splicing.

Labcorp Genetics (formerly Invitae), Labcorp
Classification: Likely benign for Tuberous sclerosis 2. Last evaluated: 2023-10-17. Review status: criteria provided, single submitter. Criteria: Invitae Variant Classification Sherloc (09022015). Collection method: clinical testing. Allele origin: germline.

All of Us Research Program, National Institutes of Health
Classification: Likely benign for Tuberous sclerosis syndrome. Last evaluated: 2023-02-24. Review status: criteria provided, single submitter. Criteria: ACMG Guidelines, 2015. Collection method: clinical testing. Allele origin: germline. Inheritance: Autosomal dominant inheritance. Observed: 1 variant allele, 1 heterozygote.
Comment: This study involves interpretation of variants in research participants for the purpose of population health screening. Participant phenotype was not available at the time of variant classification. Additional details can be found in publication PMID: 35346344, PMCID: PMC8962531

Ambry Genetics
Classification: Likely benign for Hereditary cancer-predisposing syndrome. Last evaluated: 2022-12-22. Review status: criteria provided, single submitter. Criteria: Ambry Variant Classification Scheme 2023. Collection method: clinical testing. Allele origin: germline.

NM_000548.5(TSC2):c.2178C>T (p.Ser726=)

Gene: TSC2 (TSC complex subunit 2; plus strand). Cytogenetic location: 16p13.3.
Variant type: single nucleotide variant.
Coding change: c.2178C>T on transcript NM_000548.5 (MANE Select); coding-DNA position 2178, C replaced by T.
Protein change: p.Ser726=; no amino-acid change (serine 726 retained).
Molecular consequence: synonymous variant.
Genome position (GRCh38, 1-based): chr16:2,072,321, C>T. VCF-style: chr16-2072321-C-T. GRCh37 (hg19) VCF-style: chr16-2122322-C-T.
Other names: c.2178C>T, p.Ser726= (NM_001077183.3, NM_001114382.3, NM_001363528.2 and 3 more transcripts); c.2067C>T, p.Ser689= (NM_001318827.2); c.2031C>T, p.Ser677= (NM_001318829.2); c.1578C>T, p.Ser526= (NM_001318831.2); c.2211C>T, p.Ser737= (NM_001318832.2).
Identifiers: ClinVar variation 1635020 (VCV001635020.13), dbSNP rs1380835459, ClinGen allele CA492951060.